The following is an entry in ClinVar:

ClinVar aggregate classification (germline): Likely benign (1 of 4 stars; one submission).

Allele frequency attached by ClinVar (database versions not stated): ExAC 0.00001; TOPMed 0.00002; gnomAD 0.00003; gnomAD exomes 0.00004.
gnomAD v4.1: 57 of 1,613,916 alleles (0.0035%); highest among the groups gnomAD compares: Non-Finnish European, 0.0046%; no homozygotes.

Submission:

CeGaT Center for Human Genetics Tuebingen
Classification: Likely benign. Last evaluated: 2024-02-01. Review status: criteria provided, single submitter. Criteria: CeGaT Center For Human Genetics Tuebingen Variant Classification Criteria Version 2. Collection method: clinical testing. Allele origin: germline. Affected: yes. Observed: 1 variant allele.
Comment: ACSBG2: BP4, BP7

NM_030924.5(ACSBG2):c.825T>C (p.His275=)

Genes: ACSBG2 (acyl-CoA synthetase bubblegum family member 2; plus strand), LOC105372255 (uncharacterized LOC105372255; minus strand). Cytogenetic location: 19p13.3.
Variant type: single nucleotide variant.
Coding change: c.825T>C on transcript NM_030924.5 (MANE Select); coding-DNA position 825, T replaced by C.
Protein change: p.His275=; no amino-acid change (histidine 275 retained).
Molecular consequence: synonymous variant.
Genome position (GRCh38, 1-based): chr19:6,177,315, T>C. VCF-style: chr19-6177315-T-C. GRCh37 (hg19) VCF-style: chr19-6177326-T-C.
Other names: c.825T>C, p.His275= (NM_001289177.2, NM_001289178.2, NM_001289179.2); c.264T>C, p.His88= (NM_001289180.2); c.675T>C, p.His225= (NM_001321384.2).
Identifiers: ClinVar variation 3025860 (VCV003025860.22), dbSNP rs765551838, ClinGen allele CA9121445.